The following is an entry in ClinVar:

ClinVar aggregate classification (germline): Uncertain significance (1 of 4 stars; one submission).

Submission:

Labcorp Genetics (formerly Invitae), Labcorp
Classification: Uncertain significance. Last evaluated: 2022-08-24. Review status: criteria provided, single submitter. Criteria: Invitae Variant Classification Sherloc (09022015). Collection method: clinical testing. Allele origin: germline.
Comment: This variant has not been reported in the literature in individuals affected with PPOX-related conditions. This sequence change replaces glycine, which is neutral and non-polar, with arginine, which is basic and polar, at codon 206 of the PPOX protein (p.Gly206Arg). This variant also falls at the last nucleotide of exon 6, which is part of the consensus splice site for this exon. This variant is not present in population databases (gnomAD no frequency). Algorithms developed to predict the effect of missense changes on protein structure and function (SIFT, PolyPhen-2, Align-GVGD) all suggest that this variant is likely to be tolerated. Variants that disrupt the consensus splice site are a relatively common cause of aberrant splicing (PMID: 17576681, 9536098). Algorithms developed to predict the effect of sequence changes on RNA splicing suggest that this variant may disrupt the consensus splice site. In summary, the available evidence is currently insufficient to determine the role of this variant in disease. Therefore, it has been classified as a Variant of Uncertain Significance.

Literature cited by the submitters: PubMed 17576681; PubMed 9536098.

NM_001122764.3(PPOX):c.616G>C (p.Gly206Arg)

Gene: PPOX (protoporphyrinogen oxidase; plus strand). Cytogenetic location: 1q23.3.
Variant type: single nucleotide variant.
Coding change: c.616G>C on transcript NM_001122764.3 (MANE Select); coding-DNA position 616, G replaced by C.
Protein change: p.Gly206Arg; replaces glycine 206 with arginine.
Molecular consequence: missense variant.
Genome position (GRCh38, 1-based): chr1:161,168,576, G>C. VCF-style: chr1-161168576-G-C. GRCh37 (hg19) VCF-style: chr1-161138366-G-C.
Other names: c.616G>C, p.Gly206Arg (NM_001365399.1, NM_000309.5, NM_001365398.1); c.208G>C, p.Gly70Arg (NM_001365400.1, NM_001350129.2); c.130G>C, p.Gly44Arg (NM_001365401.1, NM_001350130.2, NM_001350131.2); c.517G>C, p.Gly173Arg (NM_001350128.2); short protein forms G44R, G206R, G70R, G173R.
Identifiers: ClinVar variation 2026754 (VCV002026754.4), dbSNP rs2525253886, ClinGen allele CA343354137.